The following is an entry in ClinVar:

ClinVar aggregate classification (germline): Uncertain significance. Review status: criteria provided, multiple submitters, no conflicts (2 of 4 stars). 2 submissions from 2 submitters: Uncertain significance (2). Last evaluated 2025-08-25.

Conditions:
Inborn genetic diseases. Identifiers: MedGen C0950123, MeSH D030342.

Submissions (2):

Ambry Genetics
Classification: Uncertain significance for Inborn genetic diseases. Last evaluated: 2025-08-25. Review status: criteria provided, single submitter. Criteria: Ambry Variant Classification Scheme 2023. Collection method: clinical testing. Allele origin: germline.

Labcorp Genetics (formerly Invitae), Labcorp
Classification: Uncertain significance. Last evaluated: 2024-11-16. Review status: criteria provided, single submitter. Criteria: Invitae Variant Classification Sherloc (09022015). Collection method: clinical testing. Allele origin: germline.
Comment: This sequence change replaces leucine, which is neutral and non-polar, with glutamine, which is neutral and polar, at codon 173 of the ADCY5 protein (p.Leu173Gln). The frequency data for this variant in the population databases is considered unreliable, as metrics indicate insufficient coverage at this position in the gnomAD database. This variant has not been reported in the literature in individuals affected with ADCY5-related conditions. Invitae Evidence Modeling of protein sequence and biophysical properties (such as structural, functional, and spatial information, amino acid conservation, physicochemical variation, residue mobility, and thermodynamic stability) indicates that this missense variant is not expected to disrupt ADCY5 protein function with a negative predictive value of 95%. In summary, the available evidence is currently insufficient to determine the role of this variant in disease. Therefore, it has been classified as a Variant of Uncertain Significance.

NM_183357.3(ADCY5):c.518T>A (p.Leu173Gln)

Gene: ADCY5 (adenylate cyclase 5; minus strand). Cytogenetic location: 3q21.1.
Variant type: single nucleotide variant.
Coding change: c.518T>A on transcript NM_183357.3 (MANE Select); coding-DNA position 518, T replaced by A.
Protein change: p.Leu173Gln; replaces leucine 173 with glutamine.
Molecular consequence: missense variant.
Genome position (GRCh38, 1-based): chr3:123,448,028, A>T on the plus strand (T>A on the coding strand, the complement: ADCY5 is on the minus strand). VCF-style: chr3-123448028-A-T. GRCh37 (hg19) VCF-style: chr3-123166875-A-T.
Other names: c.518T>A, p.Leu173Gln (NM_001378259.1); c.518T>A (NM_183357.2); short protein forms L173Q.
Identifiers: ClinVar variation 3609193 (VCV003609193.3).